The following is an entry in ClinVar:

ClinVar aggregate classification (germline): Uncertain significance (1 of 4 stars; one submission).

Conditions:
Catecholaminergic polymorphic ventricular tachycardia (CVPT). Also called: Catecholamine-induced polymorphic ventricular tachycardia. Identifiers: Orphanet 3286, MedGen C5574922, MONDO:0017990.

Allele frequency attached by ClinVar (database versions not stated): gnomAD exomes below 0.00001.

Submission:

All of Us Research Program, National Institutes of Health
Classification: Uncertain significance for Catecholaminergic polymorphic ventricular tachycardia. Last evaluated: 2023-05-16. Review status: criteria provided, single submitter. Criteria: ACMG Guidelines, 2015. Collection method: clinical testing. Allele origin: germline. Inheritance: Autosomal dominant inheritance. Observed: 1 variant allele, 1 heterozygote.
Comment: This variant causes deletion of one nucleotide in intron 23 of the RYR2 gene. To our knowledge, functional studies have not been reported for this variant. This variant has not been reported in individuals affected with RYR2-related disorders in the literature. This variant has not been identified in the general population by the Genome Aggregation Database (gnomAD). The available evidence is insufficient to determine the role of this variant in disease conclusively. Therefore, this variant is classified as a Variant of Uncertain Significance.

This study involves interpretation of variants in research participants for the purpose of population health screening. Participant phenotype was not available at the time of variant classification. Additional details can be found in publication PMID: 35346344, PMCID: PMC8962531

NM_001035.3(RYR2):c.2719-12del

Gene: RYR2 (ryanodine receptor 2; plus strand). Cytogenetic location: 1q43.
Variant type: Deletion.
Coding change: c.2719-12del on transcript NM_001035.3 (MANE Select); 12 bases into the intron before coding-DNA position 2719, one base deleted (G; older notation c.2719-12delG).
Molecular consequence: intron variant.
Genome position (GRCh38, 1-based): chr1:237,511,676, G deleted. VCF-style (leftmost placement, unchanged base first): chr1-237511675-TG-T. GRCh37 (hg19) VCF-style: chr1-237674975-TG-T.
Identifiers: ClinVar variation 3071032 (VCV003071032.1), dbSNP rs2545965535, ClinGen allele CA2651200532.